The following is an entry in ClinVar:

ClinVar aggregate classification (germline): Uncertain significance (1 of 4 stars; one submission).

Conditions:
Charcot-Marie-Tooth disease axonal type 2Z. Also called: CHARCOT-MARIE-TOOTH DISEASE, AXONAL, AUTOSOMAL DOMINANT, TYPE 2Z; CHARCOT-MARIE-TOOTH NEUROPATHY, TYPE 2Z. Identifiers: Orphanet 466768, MedGen C5569025, MONDO:0014736, OMIM 616688.

Submission:

Labcorp Genetics (formerly Invitae), Labcorp
Classification: Uncertain significance for Charcot-Marie-Tooth disease axonal type 2Z. Last evaluated: 2024-09-29. Review status: criteria provided, single submitter. Criteria: Invitae Variant Classification Sherloc (09022015). Collection method: clinical testing. Allele origin: germline.
Comment: This variant, c.1933_1935del, results in the deletion of 1 amino acid(s) of the MORC2 protein (p.Pro645del), but otherwise preserves the integrity of the reading frame. This variant is present in population databases (rs758410979, gnomAD 0.0009%). This variant has not been reported in the literature in individuals affected with MORC2-related conditions. In summary, the available evidence is currently insufficient to determine the role of this variant in disease. Therefore, it has been classified as a Variant of Uncertain Significance.

NM_001303256.3(MORC2):c.1933_1935del (p.Pro645del)

Gene: MORC2 (MORC family CW-type zinc finger 2; minus strand). Cytogenetic location: 22q12.2.
Variant type: Deletion.
Coding change: c.1933_1935del on transcript NM_001303256.3 (MANE Select); coding-DNA positions 1933 to 1935, 3 bases deleted (CCT; older notation c.1933_1935delCCT).
Protein change: p.Pro645del; deletes proline 645.
Molecular consequence: inframe deletion.
Genome position (GRCh38, 1-based): chr22:30,935,039-30,935,041, AGG deleted on the plus strand (CCT on the coding strand, the reverse complement: MORC2 is on the minus strand); deleting any 3 consecutive bases within chr22:30,935,039-30,935,043 gives the same sequence; the c. name uses the placement nearest the transcript's 3' end. VCF-style (leftmost placement, unchanged base first): chr22-30935038-CAGG-C. GRCh37 (hg19) VCF-style: chr22-31331025-CAGG-C.
Other names: c.1933_1935del, p.Pro645del (NM_001303257.2); c.1747_1749del, p.Pro583del (NM_014941.3); short protein forms P583del, P645del.
Identifiers: ClinVar variation 3617184 (VCV003617184.2).
Genomic context (GRCh38, chr22:30,935,038, plus strand): 5'-TAGATGTGCTGGCCTCCTCCCGGGCTGCCAAAGCAGGGAGCTTTGGGGTACTGCTGATGA[CAGG>C]AGCCTTTCGGGGCTGGCTGGCTGGTCTAGGAGTTGGCAAAGAAGGGGGTCTGCTGGGGGC-3'